The following is an entry in ClinVar:

NM_000081.4(LYST):c.343C>G (p.Gln115Glu)

Gene: LYST (lysosomal trafficking regulator; minus strand). Cytogenetic location: 1q42.3.
Variant type: single nucleotide variant.
Coding change: c.343C>G on transcript NM_000081.4 (MANE Select); coding-DNA position 343, C replaced by G.
Protein change: p.Gln115Glu; replaces glutamine 115 with glutamic acid.
Molecular consequence: missense variant.
Genome position (GRCh38, 1-based): chr1:235,810,475, G>C on the plus strand (C>G on the coding strand, the complement: LYST is on the minus strand). VCF-style: chr1-235810475-G-C. GRCh37 (hg19) VCF-style: chr1-235973775-G-C.
Other names: c.343C>G (NM_000081.2); c.343C>G, p.Gln115Glu (NM_001301365.1); short protein forms Q115E.
Identifiers: ClinVar variation 1495506 (VCV001495506.4), dbSNP rs775773934, ClinGen allele CA1467645.

ClinVar aggregate classification (germline): Uncertain significance. Review status: criteria provided, multiple submitters, no conflicts (2 of 4 stars). 2 submissions from 2 submitters: Uncertain significance (2). Last evaluated 2025-09-10.

Conditions:
Inborn genetic diseases. Identifiers: MedGen C0950123, MeSH D030342.
Chédiak-Higashi syndrome (CHS). Also called: Chediak-Higashi Syndrome. Identifiers: Orphanet 167, MedGen C0007965, MONDO:0008963, OMIM 214500.

Allele frequency attached by ClinVar (database versions not stated): ExAC 0.00002; gnomAD exomes 0.00002.
gnomAD v4.1: 11 of 1,611,234 alleles (0.00068%); highest among the groups gnomAD compares: South Asian, 0.011%; no homozygotes.

Submissions (2):

Ambry Genetics
Classification: Uncertain significance for Inborn genetic diseases. Last evaluated: 2025-09-10. Review status: criteria provided, single submitter. Criteria: Ambry Variant Classification Scheme 2023. Collection method: clinical testing. Allele origin: germline.

Labcorp Genetics (formerly Invitae), Labcorp
Classification: Uncertain significance for Chédiak-Higashi syndrome. Last evaluated: 2022-07-23. Review status: criteria provided, single submitter. Criteria: Invitae Variant Classification Sherloc (09022015). Collection method: clinical testing. Allele origin: germline.
Comment: This sequence change replaces glutamine, which is neutral and polar, with glutamic acid, which is acidic and polar, at codon 115 of the LYST protein (p.Gln115Glu). This variant is present in population databases (rs775773934, gnomAD 0.02%). This variant has not been reported in the literature in individuals affected with LYST-related conditions. ClinVar contains an entry for this variant (Variation ID: 1495506). Algorithms developed to predict the effect of missense changes on protein structure and function (SIFT, PolyPhen-2, Align-GVGD) all suggest that this variant is likely to be tolerated. In summary, the available evidence is currently insufficient to determine the role of this variant in disease. Therefore, it has been classified as a Variant of Uncertain Significance.